The following is an entry in ClinVar:

NM_032638.5(GATA2):c.500G>A (p.Gly167Asp)

Gene: GATA2 (GATA binding protein 2; minus strand). Cytogenetic location: 3q21.3.
Variant type: single nucleotide variant.
Coding change: c.500G>A on transcript NM_032638.5 (MANE Select); coding-DNA position 500, G replaced by A.
Protein change: p.Gly167Asp; replaces glycine 167 with aspartic acid.
Molecular consequence: missense variant.
Genome position (GRCh38, 1-based): chr3:128,486,098, C>T on the plus strand (G>A on the coding strand, the complement: GATA2 is on the minus strand). VCF-style: chr3-128486098-C-T. GRCh37 (hg19) VCF-style: chr3-128204941-C-T.
Other names: c.500G>A, p.Gly167Asp (NM_001145661.2, NM_001145662.1); short protein forms G167D.
Identifiers: ClinVar variation 4262127 (VCV004262127.1).

ClinVar aggregate classification (germline): Uncertain significance (1 of 4 stars; one submission).

Conditions:
Inborn genetic diseases. Identifiers: MedGen C0950123, MeSH D030342.

Submission:

Ambry Genetics
Classification: Uncertain significance for Inborn genetic diseases. Last evaluated: 2025-07-11. Review status: criteria provided, single submitter. Criteria: Ambry Variant Classification Scheme 2023. Collection method: clinical testing. Allele origin: germline.
Comment: The p.G167D variant (also known as c.500G>A), located in coding exon 2 of the GATA2 gene, results from a G to A substitution at nucleotide position 500. The glycine at codon 167 is replaced by aspartic acid, an amino acid with similar properties. This amino acid position is conserved. In addition, the in silico prediction for this alteration is inconclusive. Based on the available evidence, the clinical significance of this variant remains unclear.